The following is an entry in ClinVar:

ClinVar aggregate classification (germline): Uncertain significance (1 of 4 stars; one submission).

Conditions:
Hereditary cancer-predisposing syndrome. Also called: Tumor predisposition; Hereditary Cancer Syndrome; Hereditary neoplastic syndrome; Neoplastic Syndromes, Hereditary. Identifiers: Orphanet 140162, MedGen C0027672, MeSH D009386, MONDO:0015356.

Submission:

Ambry Genetics
Classification: Uncertain significance for Hereditary cancer-predisposing syndrome. Last evaluated: 2026-02-02. Review status: criteria provided, single submitter. Criteria: Ambry Variant Classification Scheme 2023. Collection method: clinical testing. Allele origin: germline.
Comment: The c.555+3C>T intronic variant results from a C to T substitution 3 nucleotides after coding exon 4 in the FH gene. This nucleotide position is not well conserved in available vertebrate species. In silico splice site analysis predicts that this alteration will not have any significant effect on splicing. Based on the available evidence, the clinical significance of this variant remains unclear.

NM_000143.4(FH):c.555+3C>T

Gene: FH (fumarate hydratase; minus strand). Cytogenetic location: 1q43.
Variant type: single nucleotide variant.
Coding change: c.555+3C>T on transcript NM_000143.4 (MANE Select); 3 bases into the intron after coding-DNA position 555, C replaced by T.
Molecular consequence: intron variant.
Genome position (GRCh38, 1-based): chr1:241,511,964, G>A on the plus strand (C>T on the coding strand, the complement: FH is on the minus strand). VCF-style: chr1-241511964-G-A. GRCh37 (hg19) VCF-style: chr1-241675264-G-A.
Identifiers: ClinVar variation 1748240 (VCV001748240.3), dbSNP rs1660094654, ClinGen allele CA2580063435.
Genomic context (GRCh38, chr1:241,511,964, plus strand): 5'-AAGAACAATCTCAGGTATGCTTTTCAATTTATAACCAAAAAACAGCAAAGCTCACATACT[G>A]ACCTGGCTTTTATTAACATGATCGTTGGGATGCACAGGTATCTTGCTGCCAAGTTCACCT-3'